The following is an entry in ClinVar:

NM_015073.3(SIPA1L3):c.2850G>A (p.Glu950=)

Gene: SIPA1L3 (signal induced proliferation associated 1 like 3; plus strand). Cytogenetic location: 19q13.13.
Variant type: single nucleotide variant.
Coding change: c.2850G>A on transcript NM_015073.3 (MANE Select); coding-DNA position 2850, G replaced by A.
Protein change: p.Glu950=; no amino-acid change (glutamic acid 950 retained).
Molecular consequence: synonymous variant.
Genome position (GRCh38, 1-based): chr19:38,119,864, G>A. VCF-style: chr19-38119864-G-A. GRCh37 (hg19) VCF-style: chr19-38610504-G-A.
Identifiers: ClinVar variation 677186 (VCV000677186.10), dbSNP rs59185302, ClinGen allele CA9409785.
Genomic context (GRCh38, chr19:38,119,864, plus strand): 5'-TGGACGAGGAGACCACATCTTCCTACAGGCGACAGAGGGTTCTGTGGAGGACATAAGGGA[G>A]ATAGTGCAGAGACTGAAGGTAAGGGAGAGAGCCCGGCGATAGGGCGGCGATTTGTATGGT-3'
Protein context (NP_055888.1, residues 940-960): ATEGSVEDIR[Glu950=]IVQRLKVMTS

ClinVar aggregate classification (germline): Benign. Review status: criteria provided, multiple submitters, no conflicts (2 of 4 stars). 3 submissions from 3 submitters: Benign (3). Last evaluated 2026-01-26.

Allele frequency attached by ClinVar (database versions not stated): ExAC 0.13758; 1000 Genomes Project 30x 0.14397; ESP Exome Variant Server 0.14582; gnomAD 0.15213 and 0.14920; gnomAD exomes 0.13094 and 0.13485; 1000 Genomes Project 0.14197; TOPMed 0.15174.
gnomAD v4.1: 218,771 of 1,608,992 alleles (14%); highest among the groups gnomAD compares: African/African-American, 19%; 15,373 homozygotes.

Submissions (3):

Labcorp Genetics (formerly Invitae), Labcorp
Classification: Benign. Last evaluated: 2026-01-26. Review status: criteria provided, single submitter. Criteria: Invitae Variant Classification Sherloc (09022015). Collection method: clinical testing. Allele origin: germline.

GeneDx
Classification: Benign. Last evaluated: 2018-05-31. Review status: criteria provided, single submitter. Criteria: GeneDx Variant Classification (06012015). Collection method: clinical testing. Allele origin: germline. Affected: yes.
Comment: This variant is considered likely benign or benign based on one or more of the following criteria: it is a conservative change, it occurs at a poorly conserved position in the protein, it is predicted to be benign by multiple in silico algorithms, and/or has population frequency not consistent with disease.

Breakthrough Genomics
Classification: Benign. Review status: criteria provided, single submitter. Criteria: ACMG Guidelines, 2015. Collection method: not provided. Allele origin: germline. Inheritance: Autosomal recessive inheritance. Affected: yes.